The following is an entry in ClinVar:

NM_000782.5(CYP24A1):c.1139G>A (p.Cys380Tyr)

Gene: CYP24A1 (cytochrome P450 family 24 subfamily A member 1; minus strand). Cytogenetic location: 20q13.2.
Variant type: single nucleotide variant.
Coding change: c.1139G>A on transcript NM_000782.5 (MANE Select); coding-DNA position 1139, G replaced by A.
Protein change: p.Cys380Tyr; replaces cysteine 380 with tyrosine.
Molecular consequence: missense variant.
Genome position (GRCh38, 1-based): chr20:54,158,975, C>T on the plus strand (G>A on the coding strand, the complement: CYP24A1 is on the minus strand). VCF-style: chr20-54158975-C-T. GRCh37 (hg19) VCF-style: chr20-52775514-C-T.
Other names: c.1139G>A, p.Cys380Tyr (NM_001128915.2); short protein forms C380Y.
Identifiers: ClinVar variation 2040775 (VCV002040775.5), dbSNP rs150006710, ClinGen allele CA9915894.

ClinVar aggregate classification (germline): Uncertain significance. Review status: criteria provided, multiple submitters, no conflicts (2 of 4 stars). 2 submissions from 2 submitters: Uncertain significance (2). Last evaluated 2024-06-06.

Conditions:
Hypercalcemia, infantile, 1 (HCINF1). Identifiers: Orphanet 300547, MedGen CN031131, MONDO:0020739, OMIM 143880.

Allele frequency attached by ClinVar (database versions not stated): ESP Exome Variant Server 0.00023; gnomAD exomes 0.00001; TOPMed 0.00005; ExAC 0.00006; gnomAD 0.00007.
gnomAD v4.1: 20 of 1,614,056 alleles (0.0012%); highest among the groups gnomAD compares: African/African-American, 0.021%; no homozygotes.

Submissions (2):

Fulgent Genetics
Classification: Uncertain significance for Hypercalcemia, infantile, 1. Last evaluated: 2024-06-06. Review status: criteria provided, single submitter. Criteria: ACMG Guidelines, 2015. Collection method: clinical testing. Allele origin: germline.

Labcorp Genetics (formerly Invitae), Labcorp
Classification: Uncertain significance. Last evaluated: 2022-08-17. Review status: criteria provided, single submitter. Criteria: Invitae Variant Classification Sherloc (09022015). Collection method: clinical testing. Allele origin: germline.
Comment: In summary, the available evidence is currently insufficient to determine the role of this variant in disease. Therefore, it has been classified as a Variant of Uncertain Significance. This variant is present in population databases (rs150006710, gnomAD 0.04%). This sequence change replaces cysteine, which is neutral and slightly polar, with tyrosine, which is neutral and polar, at codon 380 of the CYP24A1 protein (p.Cys380Tyr). This variant has not been reported in the literature in individuals affected with CYP24A1-related conditions. Advanced modeling of protein sequence and biophysical properties (such as structural, functional, and spatial information, amino acid conservation, physicochemical variation, residue mobility, and thermodynamic stability) performed at Invitae indicates that this missense variant is expected to disrupt CYP24A1 protein function.